The following is an entry in ClinVar:

NM_000057.4(BLM):c.56G>C (p.Arg19Thr)

Gene: BLM (BLM RecQ like helicase; plus strand). Cytogenetic location: 15q26.1.
Variant type: single nucleotide variant.
Coding change: c.56G>C on transcript NM_000057.4 (MANE Select); coding-DNA position 56, G replaced by C.
Protein change: p.Arg19Thr; replaces arginine 19 with threonine.
Molecular consequence: missense variant. On other transcripts: 5 prime UTR variant (1).
Genome position (GRCh38, 1-based): chr15:90,747,448, G>C. VCF-style: chr15-90747448-G-C. GRCh37 (hg19) VCF-style: chr15-91290678-G-C.
Other names: c.56G>C, p.Arg19Thr (NM_001287246.2, NM_001287247.2); c.-1236G>C (NM_001287248.2); short protein forms R19T.
Identifiers: ClinVar variation 4211618 (VCV004211618.1).

ClinVar aggregate classification (germline): Uncertain significance (1 of 4 stars; one submission).

Conditions:
Hereditary cancer-predisposing syndrome. Also called: Neoplastic Syndromes, Hereditary; Tumor predisposition; Hereditary Cancer Syndrome; Hereditary neoplastic syndrome. Identifiers: Orphanet 140162, MedGen C0027672, MeSH D009386, MONDO:0015356.

Submission:

Ambry Genetics
Classification: Uncertain significance for Hereditary cancer-predisposing syndrome. Last evaluated: 2025-06-26. Review status: criteria provided, single submitter. Criteria: Ambry Variant Classification Scheme 2023. Collection method: clinical testing. Allele origin: germline.
Comment: The p.R19T variant (also known as c.56G>C), located in coding exon 1 of the BLM gene, results from a G to C substitution at nucleotide position 56. The arginine at codon 19 is replaced by threonine, an amino acid with similar properties. This amino acid position is conserved. In addition, this alteration is predicted to be tolerated by in silico analysis. Based on the available evidence, the clinical significance of this variant remains unclear.